The following is an entry in ClinVar:

ClinVar aggregate classification (germline): Benign/Likely benign. Review status: criteria provided, multiple submitters, no conflicts (2 of 4 stars). 7 submissions from 5 submitters: Benign (5); Likely benign (2). Last evaluated 2026-01-25.

Conditions:
Congenital factor V deficiency. Also called: Hereditary factor V deficiency disease; LABILE FACTOR DEFICIENCY; OWREN PARAHEMOPHILIA; PARAHEMOPHILIA. Identifiers: Orphanet 326, MedGen C0015499, MONDO:0009210, OMIM 227400.
Thrombophilia due to thrombin defect (THPH1). Also called: THROMBOPHILIA DUE TO FACTOR 2 DEFECT; Prothrombin-Related Thrombophilia (Factor II); Thrombosis susceptibility; Prothrombin Thrombophilia. Identifiers: MedGen C3160733, MONDO:0008559, OMIM 188050. Disease mechanism: gain of function, loss of function.
Budd-Chiari syndrome (BDCHS). Also called: Hepatic vein obstruction. Identifiers: Orphanet 131, MedGen C0856761, MONDO:0010947, OMIM 600880, HP:0002639.
Factor V deficiency. Also called: Reduced coagulation factor V activity. Identifiers: Orphanet 326, MedGen C4317320, MONDO:0020586, HP:0003225.

Allele frequency attached by ClinVar (database versions not stated): gnomAD exomes 0.00069 and 0.00209; ExAC 0.00249; gnomAD 0.00731 and 0.00789; 1000 Genomes Project 0.00759; TOPMed 0.00852; 1000 Genomes Project 30x 0.00859; ESP Exome Variant Server 0.00892.

Submissions (7):

Labcorp Genetics (formerly Invitae), Labcorp
Classification: Benign for Congenital factor V deficiency. Last evaluated: 2026-01-25. Review status: criteria provided, single submitter. Criteria: Invitae Variant Classification Sherloc (09022015). Collection method: clinical testing. Allele origin: germline.

CeGaT Center for Human Genetics Tuebingen
Classification: Benign. Last evaluated: 2025-03-01. Review status: criteria provided, single submitter. Criteria: CeGaT Center For Human Genetics Tuebingen Variant Classification Criteria Version 2. Collection method: clinical testing. Allele origin: germline. Affected: yes. Observed: 1 variant allele.
Comment: F5: BS1, BS2

Mayo Clinic Laboratories, Mayo Clinic
Classification: Benign. Last evaluated: 2024-04-11. Review status: criteria provided, single submitter. Criteria: ACMG Guidelines, 2015. Collection method: clinical testing. Allele origin: germline. Observed: 2 variant alleles.
Comment: BS1, BS2, PM1_supporting

Illumina Laboratory Services, Illumina
Classification: Likely benign for Venous thrombosis. Last evaluated: 2018-01-12. Review status: criteria provided, single submitter. Criteria: ICSL Variant Classification Criteria 13 December 2019. Collection method: clinical testing. Allele origin: germline.
Comment: This variant was observed in the ICSL laboratory as part of a predisposition screen in an ostensibly healthy population. It had not been previously curated by ICSL or reported in the Human Gene Mutation Database (HGMD: prior to June 1st, 2018), and was therefore a candidate for classification through an automated scoring system. Utilizing variant allele frequency, disease prevalence and penetrance estimates, and inheritance mode, an automated score was calculated to assess if this variant is too frequent to cause the disease. Based on the score and internal cut-off values, a variant classified as likely benign is not then subjected to further curation. The score for this variant resulted in a classification of likely benign for this disease.

Illumina Laboratory Services, Illumina
Classification: Benign for Congenital factor V deficiency. Last evaluated: 2018-01-12. Review status: criteria provided, single submitter. Criteria: ICSL Variant Classification Criteria 13 December 2019. Collection method: clinical testing. Allele origin: germline.
Comment: This variant was observed in the ICSL laboratory as part of a predisposition screen in an ostensibly healthy population. It had not been previously curated by ICSL or reported in the Human Gene Mutation Database (HGMD: prior to June 1st, 2018), and was therefore a candidate for classification through an automated scoring system. Utilizing variant allele frequency, disease prevalence and penetrance estimates, and inheritance mode, an automated score was calculated to assess if this variant is too frequent to cause the disease. Based on the score and internal cut-off values, a variant classified as benign is not then subjected to further curation. The score for this variant resulted in a classification of benign for this disease.

Illumina Laboratory Services, Illumina
Classification: Benign for Budd-Chiari syndrome. Last evaluated: 2018-01-12. Review status: criteria provided, single submitter. Criteria: ICSL Variant Classification Criteria 13 December 2019. Collection method: clinical testing. Allele origin: germline.
Comment: the same text as in the submission from Illumina Laboratory Services, Illumina above.

Breakthrough Genomics
Classification: Likely benign. Review status: criteria provided, single submitter. Criteria: ACMG Guidelines, 2015. Collection method: not provided. Allele origin: germline. Inheritance: Autosomal recessive inheritance. Affected: yes.

Literature cited by the submitters: PubMed 33059327 (cited by Mayo Clinic Laboratories, Mayo Clinic).

NM_000130.5(F5):c.5460G>A (p.Met1820Ile)

Gene: F5 (coagulation factor V; minus strand). Cytogenetic location: 1q24.2.
Variant type: single nucleotide variant.
Coding change: c.5460G>A on transcript NM_000130.5 (MANE Select); coding-DNA position 5460, G replaced by A.
Protein change: p.Met1820Ile; replaces methionine 1820 with isoleucine.
Molecular consequence: missense variant.
Genome position (GRCh38, 1-based): chr1:169,528,054, C>T on the plus strand (G>A on the coding strand, the complement: F5 is on the minus strand). VCF-style: chr1-169528054-C-T. GRCh37 (hg19) VCF-style: chr1-169497292-C-T.
Other names: short protein forms M1820I.
Identifiers: ClinVar variation 293583 (VCV000293583.22), dbSNP rs6026, ClinGen allele CA1233492.
Genomic context (GRCh38, chr1:169,528,054, plus strand): 5'-GTGAATGTCTTGGGAGCCGCCTATGTTCAGCAGGTGTAACCTCACCCACTCTTGCTCATA[C>T]ATTTTCAGGCCAGGCAAGCTGTAGATCATCCCATTAATGGCTGAAAGGACAAAGAGTTGA-3'
Protein context (NP_000121.2, residues 1810-1830): GMIYSLPGLK[Met1820Ile]YEQEWVRLHL